The following is an entry in ClinVar:

NM_003403.5(YY1):c.228C>T (p.His76=)

Gene: YY1 (YY1 transcription factor; plus strand). Cytogenetic location: 14q32.2.
Variant type: single nucleotide variant.
Coding change: c.228C>T on transcript NM_003403.5 (MANE Select); coding-DNA position 228, C replaced by T.
Protein change: p.His76=; no amino-acid change (histidine 76 retained).
Molecular consequence: synonymous variant.
Genome position (GRCh38, 1-based): chr14:100,239,472, C>T. VCF-style: chr14-100239472-C-T. GRCh37 (hg19) VCF-style: chr14-100705809-C-T.
Identifiers: ClinVar variation 3388492 (VCV003388492.14).
Genomic context (GRCh38, chr14:100,239,472, plus strand): 5'-TGGCGACCACGGCGGCGGGGGCGGCCACGGGCACGCCGGCCACCACCACCACCACCATCA[C>T]CACCACCACCACCCGCCCATGATCGCTCTGCAGCCGCTGGTCACCGACGACCCGACCCAG-3'
Protein context (NP_003394.1, residues 66-86): GHAGHHHHHH[His76=]HHHHPPMIAL

ClinVar aggregate classification (germline): Likely benign (1 of 4 stars; one submission).

gnomAD v4.1: 4 of 1,585,758 alleles (0.00025%); highest among the groups gnomAD compares: Admixed American, 0.0068%; no homozygotes.

Submission:

CeGaT Center for Human Genetics Tuebingen
Classification: Likely benign. Last evaluated: 2026-10-01. Review status: criteria provided, single submitter. Criteria: CeGaT Center For Human Genetics Tuebingen Variant Classification Criteria Version 2. Collection method: clinical testing. Allele origin: germline. Affected: yes. Observed: 5 variant alleles.
Comment: YY1: BP4, BP7